The following is an entry in ClinVar:

NM_005732.4(RAD50):c.761G>A (p.Arg254His)

Gene: RAD50 (RAD50 double strand break repair protein; plus strand). Cytogenetic location: 5q31.1.
Variant type: single nucleotide variant.
Coding change: c.761G>A on transcript NM_005732.4 (MANE Select); coding-DNA position 761, G replaced by A.
Protein change: p.Arg254His; replaces arginine 254 with histidine.
Molecular consequence: missense variant.
Genome position (GRCh38, 1-based): chr5:132,587,566, G>A. VCF-style: chr5-132587566-G-A. GRCh37 (hg19) VCF-style: chr5-131923258-G-A.
Other names: short protein forms R254H.
Identifiers: ClinVar variation 220625 (VCV000220625.16), dbSNP rs769196703, ClinGen allele CA350281.

ClinVar aggregate classification (germline): Uncertain significance. Review status: criteria provided, multiple submitters, no conflicts (2 of 4 stars). 4 submissions from 4 submitters: Uncertain significance (4). Last evaluated 2025-01-06.

Conditions:
Hereditary cancer-predisposing syndrome. Also called: Hereditary neoplastic syndrome; Tumor predisposition; Hereditary Cancer Syndrome; Neoplastic Syndromes, Hereditary. Identifiers: Orphanet 140162, MedGen C0027672, MeSH D009386, MONDO:0015356.
Nijmegen breakage syndrome-like disorder (NBSLD). Also called: MICROCEPHALY AND SPONTANEOUS CHROMOSOME INSTABILITY WITHOUT IMMUNODEFICIENCY; NBS-LIKE DISORDER; RAD50 DEFICIENCY. Identifiers: Orphanet 240760, MedGen C2751318, MONDO:0013118, OMIM 613078.

Allele frequency attached by ClinVar (database versions not stated): ExAC 0.00006; gnomAD exomes 0.00006.
gnomAD v4.1: 50 of 1,612,466 alleles (0.0031%); highest among the groups gnomAD compares: South Asian, 0.034%; no homozygotes.

Submissions (4):

Labcorp Genetics (formerly Invitae), Labcorp
Classification: Uncertain significance for Hereditary cancer-predisposing syndrome. Last evaluated: 2025-01-06. Review status: criteria provided, single submitter. Criteria: Invitae Variant Classification Sherloc (09022015). Collection method: clinical testing. Allele origin: germline.
Comment: This sequence change replaces arginine, which is basic and polar, with histidine, which is basic and polar, at codon 254 of the RAD50 protein (p.Arg254His). This variant is present in population databases (rs769196703, gnomAD 0.05%). This variant has not been reported in the literature in individuals affected with RAD50-related conditions. ClinVar contains an entry for this variant (Variation ID: 220625). An algorithm developed to predict the effect of missense changes on protein structure and function outputs the following: PolyPhen-2: "Benign". The histidine amino acid residue is found in multiple mammalian species, which suggests that this missense change does not adversely affect protein function. In summary, the available evidence is currently insufficient to determine the role of this variant in disease. Therefore, it has been classified as a Variant of Uncertain Significance.

Quest Diagnostics Nichols Institute San Juan Capistrano
Classification: Uncertain significance. Last evaluated: 2024-04-14. Review status: criteria provided, single submitter. Criteria: Quest Diagnostics criteria. Collection method: clinical testing. Allele origin: unknown.
Comment: The RAD50 c.761G>A (p.Arg254His) variant has been reported in the published literature in individuals with breast cancer (PMID: 30982232 (2019), 33471991 (2021), see also LOVD). The frequency of this variant in the general population, 0.00046 (14/30382 chromosomes (Genome Aggregation Database)), is uninformative in the assessment of its pathogenicity. Analysis of this variant using bioinformatics tools for the prediction of the effect of amino acid changes on protein structure and function yielded predictions that this variant is benign. Based on the available information, we are unable to determine the clinical significance of this variant.

Baylor Genetics
Classification: Uncertain significance for Nijmegen breakage syndrome-like disorder. Last evaluated: 2024-01-24. Review status: criteria provided, single submitter. Criteria: ACMG Guidelines, 2015. Collection method: clinical testing. Allele origin: unknown.

Ambry Genetics
Classification: Uncertain significance for Hereditary cancer-predisposing syndrome. Last evaluated: 2023-08-29. Review status: criteria provided, single submitter. Criteria: Ambry Variant Classification Scheme 2023. Collection method: clinical testing. Allele origin: germline.
Comment: The p.R254H variant (also known as c.761G>A), located in coding exon 6 of the RAD50 gene, results from a G to A substitution at nucleotide position 761. The arginine at codon 254 is replaced by histidine, an amino acid with highly similar properties. This amino acid position is not well conserved in available vertebrate species. In addition, this alteration is predicted to be tolerated by in silico analysis. Since supporting evidence is limited at this time, the clinical significance of this alteration remains unclear.

Literature cited by the submitters: PubMed 33471991 (cited by Quest Diagnostics Nichols Institute San Juan Capistrano); PubMed 30982232 (cited by Quest Diagnostics Nichols Institute San Juan Capistrano).